The following is an entry in ClinVar:

ClinVar aggregate classification (germline): Pathogenic (1 of 4 stars; one submission).

Conditions:
Refsum disease, classic. Also called: HEREDOPATHIA ATACTICA POLYNEURITIFORMIS; HMSN IV; PHYTANIC ACID OXIDASE DEFICIENCY; PHYH-Related Refsum Disease. Identifiers: Orphanet 773, MedGen C5780941, MONDO:1060256, OMIM 266500. Disease mechanism: loss of function.

Submission:

Myriad Genetics, Inc.
Classification: Pathogenic for Refsum disease, classic. Last evaluated: 2024-05-14. Review status: criteria provided, single submitter. Criteria: Myriad Autosomal Dominant, Autosomal Recessive and X-Linked Classification Criteria (2023). Collection method: clinical testing. Allele origin: unknown.
Comment: NM_006214.3(PHYH):c.515_516ins5(P173Nfs*47) is expected to be pathogenic in the context of Refsum disease, PHYH-related. This variant is predicted to lead to an abnormal or absent protein product due to the creation of a premature termination codon in PHYH, a gene where loss-of-function variants are known to be pathogenic. Please note: this variant was assessed in the context of healthy population screening.

NM_006214.4(PHYH):c.515_516insTAATT (p.Pro173fs)

Gene: PHYH (phytanoyl-CoA 2-hydroxylase; minus strand). Cytogenetic location: 10p13.
Variant type: Insertion.
Coding change: c.515_516insTAATT on transcript NM_006214.4 (MANE Select); coding-DNA positions 515 to 516, TAATT inserted.
Protein change: p.Pro173fs; shifts the reading frame from proline 173.
Molecular consequence: frameshift variant. On other transcripts: intron variant (1).
Genome position: GRCh38 VCF-style: chr10-13288522-G-GAATTA. GRCh37 (hg19) VCF-style: chr10-13330522-G-GAATTA.
Other names: c.215_216insTAATT, p.Pro73fs (NM_001037537.2, NM_001323080.2); c.521_522insTAATT, p.Pro175fs (NM_001323082.2); c.221_222insTAATT, p.Pro75fs (NM_001323084.2); c.415-4684_415-4683insTAATT (NM_001323083.2); short protein forms P173fs, P175fs, P73fs, P75fs.
Identifiers: ClinVar variation 5010730 (VCV005010730.1).
Genomic context (GRCh38, chr10:13,288,522, plus strand): 5'-GGCGCAAACGATGAGATCGCTGGGCCTGAAGGGGAAATAGTGCAGGTCCTGGTGCAGGGG[G>GAATTA]TGACGGGACGTCTTCTTGCCTGAAAAGAAAACCTGCTACTAAAGGATACTCGAGGCCGAG-3'